The following is an entry in ClinVar:

NM_000256.3(MYBPC3):c.2761C>T (p.Gln921Ter)

Gene: MYBPC3 (myosin binding protein C3; minus strand). Cytogenetic location: 11p11.2.
Variant type: single nucleotide variant.
Coding change: c.2761C>T on transcript NM_000256.3 (MANE Select); coding-DNA position 2761, C replaced by T.
Protein change: p.Gln921Ter; replaces glutamine 921 with a stop codon.
Molecular consequence: nonsense.
Genome position (GRCh38, 1-based): chr11:47,335,186, G>A on the plus strand (C>T on the coding strand, the complement: MYBPC3 is on the minus strand). VCF-style: chr11-47335186-G-A. GRCh37 (hg19) VCF-style: chr11-47356737-G-A.
Other names: short protein forms Q921*.
Identifiers: ClinVar variation 1362183 (VCV001362183.10), dbSNP rs367729718, ClinGen allele CA380316754.

ClinVar aggregate classification (germline): Pathogenic. Review status: criteria provided, multiple submitters, no conflicts (2 of 4 stars). 3 submissions from 3 submitters: Pathogenic (3). Last evaluated 2024-04-05.

Conditions:
Cardiomyopathy (CMYO). Also called: Cardiomyopathies. Identifiers: Orphanet 167848, MedGen C0878544, MONDO:0004994, HP:0001638. Inheritance: Various modes of inheritance.
Hypertrophic cardiomyopathy. Also called: HYPERTROPHIC MYOCARDIOPATHY. Identifiers: Orphanet 217569, MedGen C0007194, MeSH D002312, MONDO:0005045, HP:0001639.
MYBPC3-related disorder. Also called: MYBPC3-related disorders; MYBPC3-related condition; MYBPC3-related disease.

Submissions (3):

Blueprint Genetics
Classification: Pathogenic for MYBPC3-related disorders. Last evaluated: 2024-04-05. Review status: criteria provided, single submitter. Criteria: ACMG Guidelines, 2015. Collection method: clinical testing. Allele origin: germline. Affected: yes. Observed: 4 variant alleles.

CHEO Genetics Diagnostic Laboratory, Children's Hospital of Eastern Ontario
Classification: Pathogenic for Cardiomyopathy. Last evaluated: 2023-04-12. Review status: criteria provided, single submitter. Criteria: ACMG Guidelines, 2015. Collection method: clinical testing. Allele origin: germline.

Labcorp Genetics (formerly Invitae), Labcorp
Classification: Pathogenic for Hypertrophic cardiomyopathy. Last evaluated: 2021-06-28. Review status: criteria provided, single submitter. Criteria: Invitae Variant Classification Sherloc (09022015). Collection method: clinical testing. Allele origin: germline.
Comment: This variant has been observed in individual(s) with hypertrophic cardiomyopathy (PMID: 30847666). For these reasons, this variant has been classified as Pathogenic. This variant is not present in population databases (ExAC no frequency). This sequence change creates a premature translational stop signal (p.Gln921*) in the MYBPC3 gene. It is expected to result in an absent or disrupted protein product. Loss-of-function variants in MYBPC3 are known to be pathogenic (PMID: 19574547).

Literature cited by the submitters: PubMed 30847666 (cited by Labcorp Genetics (formerly Invitae), Labcorp); PubMed 19574547 (cited by Labcorp Genetics (formerly Invitae), Labcorp).